The following is an entry in ClinVar:

ClinVar aggregate classification (germline): Pathogenic. Review status: reviewed by expert panel (3 of 4 stars). 2 submissions from 2 submitters: Pathogenic (1). 1 of the submissions does not count toward it. Last evaluated 2017-12-15.

Conditions:
Breast-ovarian cancer, familial, susceptibility to, 1 (BROVCA1). Also called: OVARIAN CANCER, SUSCEPTIBILITY TO; BRCA1 Hereditary Breast and Ovarian Cancer. Identifiers: Orphanet 145, MedGen C2676676, MONDO:0011450, OMIM 604370. Disease mechanism: loss of function.
Familial cancer of breast. Also called: Hereditary breast cancer; hereditary breast carcinoma; BREAST CANCER, FAMILIAL. Identifiers: Orphanet 227535, MedGen C0346153, MONDO:0016419, OMIM 114480. Disease mechanism: loss of function.

Submissions (2):

Evidence-based Network for the Interpretation of Germline Mutant Alleles (ENIGMA)
Classification: Pathogenic for Breast-ovarian cancer, familial, susceptibility to, 1. Last evaluated: 2017-12-15. Review status: reviewed by expert panel. Criteria: ENIGMA BRCA1/2 Classification Criteria (2017-06-29). Collection method: curation. Allele origin: germline. Study: ENIGMA.
Comment: Variant allele predicted to encode a truncated non-functional protein.

ClinVar Staff, National Center for Biotechnology Information (NCBI)
No classification provided. Condition: Familial cancer of breast. Review status: no classification provided. Collection method: literature only. Allele origin: germline. Affected: yes. Not counted in ClinVar's aggregate classification.

Literature cited by the submitters: PubMed 19016756 (cited by ClinVar Staff, National Center for Biotechnology Information (NCBI)).

NM_007294.4(BRCA1):c.190_193del (p.Cys64fs)

Gene: BRCA1 (BRCA1 DNA repair associated; minus strand). Cytogenetic location: 17q21.31.
Variant type: Deletion.
Coding change: c.190_193del on transcript NM_007294.4 (MANE Select); coding-DNA positions 190 to 193, 4 bases deleted (TGTA; older notation c.190_193delTGTA).
Protein change: p.Cys64fs; shifts the reading frame from cysteine 64.
Molecular consequence: frameshift variant.
Genome position (GRCh38, 1-based): chr17:43,106,475-43,106,478, TACA deleted on the plus strand (TGTA on the coding strand, the reverse complement: BRCA1 is on the minus strand); deleting any 4 consecutive bases within chr17:43,106,475-43,106,480 gives the same sequence; the c. name uses the placement nearest the transcript's 3' end. VCF-style (leftmost placement, unchanged base first): chr17-43106474-TTACA-T. GRCh37 (hg19) VCF-style: chr17-41258491-TTACA-T.
Other names: c.190_193delTGTA (NM_007294.3); c.188_191delTATG, p.Cys64Argfs (NM_001407581.1, NM_001407582.1, NM_001407583.1 and 166 more transcripts); c.47_50delTATG, p.Cys17Argfs (NM_001407692.1, NM_001407694.1, NM_001407695.1 and 98 more transcripts); c.49_52del, p.Cys17fs (NM_007297.4); c.190_193del, p.Cys64fs (NM_007299.4, NM_007300.4); short protein forms C64fs, C17fs.
Identifiers: ClinVar variation 54395 (VCV000054395.3), dbSNP rs397508917, ClinGen allele CA001242.
Genomic context (GRCh38, chr17:43,106,474, plus strand): 5'-CTGTGGTTGCTTCCAACCTAGCATCATTACCAAATTATATACCTTTTGGTTATATCATTC[TTACA>T]TAAAGGACACTGTGAAGGCCCTTTCTTCTGGTTGAGAAGTTTCAGCATGCAAAATCTATA-3'